The following is an entry in ClinVar:

NM_006245.4(PPP2R5D):c.813G>T (p.Gly271=)

Gene: PPP2R5D (protein phosphatase 2 regulatory subunit B'delta; plus strand). Cytogenetic location: 6p21.1.
Variant type: single nucleotide variant.
Coding change: c.813G>T on transcript NM_006245.4 (MANE Select); coding-DNA position 813, G replaced by T.
Protein change: p.Gly271=; no amino-acid change (glycine 271 retained).
Molecular consequence: synonymous variant.
Genome position (GRCh38, 1-based): chr6:43,008,021, G>T. VCF-style: chr6-43008021-G-T. GRCh37 (hg19) VCF-style: chr6-42975759-G-T.
Other names: c.360G>T, p.Gly120= (NM_001270476.2); c.717G>T, p.Gly239= (NM_180976.3); c.495G>T, p.Gly165= (NM_180977.3); c.813G>T (NM_006245.3).
Identifiers: ClinVar variation 1666575 (VCV001666575.10), dbSNP rs751943580, ClinGen allele CA3811914.

ClinVar aggregate classification (germline): Likely benign. Review status: criteria provided, multiple submitters, no conflicts (2 of 4 stars). 3 submissions from 3 submitters: Likely benign (2). 1 of the submissions does not count toward it. Last evaluated 2024-09-27.

Conditions:
PPP2R5D-related disorder. Also called: PPP2R5D-related condition.

Allele frequency attached by ClinVar (database versions not stated): ExAC 0.00001; TOPMed 0.00001; gnomAD exomes 0.00003.
gnomAD v4.1: 39 of 1,614,184 alleles (0.0024%); highest among the groups gnomAD compares: Non-Finnish European, 0.0033%; no homozygotes.

Submissions (3):

Labcorp Genetics (formerly Invitae), Labcorp
Classification: Likely benign. Last evaluated: 2024-09-27. Review status: criteria provided, single submitter. Criteria: Invitae Variant Classification Sherloc (09022015). Collection method: clinical testing. Allele origin: germline.

Blueprint Genetics
Classification: Likely benign. Last evaluated: 2023-05-11. Review status: criteria provided, single submitter. Criteria: ACMG Guidelines, 2015. Collection method: clinical testing. Allele origin: germline.

PreventionGenetics, part of Exact Sciences
Classification: Likely benign for PPP2R5D-related condition. Last evaluated: 2024-07-30. Review status: no assertion criteria provided. Collection method: clinical testing. Allele origin: germline. Not counted in ClinVar's aggregate classification.
Comment: This variant is classified as likely benign based on ACMG/AMP sequence variant interpretation guidelines (Richards et al. 2015 PMID: 25741868, with internal and published modifications).